The following continues an entry in ClinVar:

NM_000059.4(BRCA2):c.9672dup (p.Tyr3225fs)

Gene: BRCA2. ClinVar aggregate classification (germline): Pathogenic. Pathogenic (1).

Submissions 7 to 16 of 28:

All of Us Research Program, National Institutes of Health
Classification: Likely pathogenic for BRCA2-related cancer predisposition. Last evaluated: 2024-02-12. Review status: criteria provided, single submitter. Criteria: ACMG Guidelines, 2015. Collection method: clinical testing. Allele origin: germline. Inheritance: Autosomal dominant inheritance. Observed: 2 variant alleles, 2 heterozygotes. Not counted in ClinVar's aggregate classification.
Comment: This variant inserts 1 nucleotide in codon 3225 in exon 27 of the BRCA2 gene, creating a frameshift and premature translation stop signal in the last coding exon. This variant is also known as 9900insA and c.9672_9673insA in the literature. This mutant transcript is predicted to escape nonsense-mediated decay and be expressed as a truncated protein. This variant is expected to disrupt the RAD51 binding domain that has been reported to be essential for homologous recombination and DNA repair (PMID: 17515903). Cell lines that are compound heterozygous for this variant and a known pathogenic BRCA2 truncation variant produced a truncated protein consistent with truncation in exon 27 (PMID: 12065746) and exhibited hypersensitivity to mitomycin C and other DNA damaging agents (PMID: 12065746, 16920162). This variant also has been reported in multiple individuals with personal or family history of breast and/or ovarian cancer (PMID: 16683254, 24156927, 25452441, 27153395, Color internal data). This variant has also been reported in three individuals who are compound heterozygous with a pathogenic BRCA2 covariant and affected with Fanconi anemia (PMID: 12065746, 22720145, 26740091). An external laboratory has reported the associated cancer histories of multiple carriers of this variant are inconsistent with known BRCA2 pathogenic variants. This variant has been identified in 1/249592 chromosomes in the general population by the Genome Aggregation Database (gnomAD). In summary, this rare variant has been observed in multiple individuals and families affected with BRCA2-related phenotypes. Although additional studies are necessary to determine the role of this variant in disease and penetrance conclusively, this variant is classified as Likely Pathogenic based on the available evidence.

This study involves interpretation of variants in research participants for the purpose of population health screening. Participant phenotype was not available at the time of variant classification. Additional details can be found in publication PMID: 35346344, PMCID: PMC8962531

Baylor Genetics
Classification: Pathogenic for Familial cancer of breast. Last evaluated: 2024-01-15. Review status: criteria provided, single submitter. Criteria: ACMG Guidelines, 2015. Collection method: clinical testing. Allele origin: unknown. Not counted in ClinVar's aggregate classification.

ARUP Laboratories, Molecular Genetics and Genomics, ARUP Laboratories
Classification: Pathogenic. Last evaluated: 2023-11-10. Review status: criteria provided, single submitter. Criteria: ARUP Molecular Germline Variant Investigation Process 2024. Collection method: clinical testing. Allele origin: germline. Not counted in ClinVar's aggregate classification.
Comment: The BRCA2 c.9672dup; p.Tyr3225IlefsTer30 variant (rs80359773), also known as 9900insA, is reported in multiple individuals and families with hereditary breast and ovarian cancer syndrome and found compound heterozygous in at least one individual with Fanconi anemia (de Jonge 2019, Howlett 2002, Verhoog 2001). This variant is classified as pathogenic by an expert panel in the ClinVar Database (Variation ID: 126217). It is only found on one allele in the Genome Aggregation Database (v2.1.1), indicating it is not a common polymorphism. This variant causes a frameshift by inserting a single nucleotide, so it is predicted to result in a truncated protein or mRNA subject to nonsense-mediated decay. This variant results in a premature termination codon in the last exon of the BRCA2 gene. While this may not lead to nonsense-mediated decay, it is expected to create a truncated BRCA2 protein. Based on available information, this variant is considered to be pathogenic. References: de Jonge MM et al. Germline BRCA-Associated Endometrial Carcinoma Is a Distinct Clinicopathologic Entity. Clin Cancer Res. 2019 Dec 15;25(24):7517-7526. PMID: 31492746. Howlett NG et al. Biallelic inactivation of BRCA2 in Fanconi anemia. Science. 2002 Jul 26;297(5581):606-9. PMID: 12065746. Verhoog LC et al. Large regional differences in the frequency of distinct BRCA1/BRCA2 mutations in 517 Dutch breast and/or ovarian cancer families. Eur J Cancer. 2001 Nov;37(16):2082-90. PMID: 11597388.

PreventionGenetics, part of Exact Sciences
Classification: Pathogenic for BRCA2-related condition. Last evaluated: 2023-07-20. Review status: criteria provided, single submitter. Criteria: ACMG Guidelines, 2015. Collection method: clinical testing. Allele origin: germline. Not counted in ClinVar's aggregate classification.
Comment: The BRCA2 c.9672dupA variant is predicted to result in a frameshift and premature protein termination (p.Tyr3225Ilefs*30). This variant has been reported in the heterozygous state in multiple individuals with breast and/or ovarian cancer (van der Hout et al. 2006. PubMed ID: 16683254; Karami et al. 2013. PubMed ID: 24312913; Tea et al. 2014. PubMed ID: 24156927; Couch et al. 2014. PubMed ID: 25452441; Rebbeck et al. 2018. PubMed ID: 29446198; Haer-Wigman et al. 2019. PubMed ID: 30291343). This variant has also been reported in the compound heterozygous or homozygous state in individuals with Fanconi anemia (Howlett et al. 2002. PubMed ID: 12065746; Barber et al. 2005. PubMed ID: 16115142). This variant is reported in 0.00088% of alleles in individuals of European (Non-Finnish) descent in gnomAD and is interpreted as pathogenic in ClinVar. Frameshift variants in BRCA2 are expected to be pathogenic. This variant is interpreted as pathogenic.

Quest Diagnostics Nichols Institute San Juan Capistrano
Classification: Pathogenic. Last evaluated: 2022-06-17. Review status: criteria provided, single submitter. Criteria: Quest Diagnostics criteria. Collection method: clinical testing. Allele origin: unknown. Not counted in ClinVar's aggregate classification.
Comment: The BRCA2 c.9672dup (p.Tyr3225Ilefs*30) frameshift variant (also known as c.9672_9673insA and 9900insA) alters the translational reading frame of the BRCA2 mRNA and is predicted to cause the premature termination of BRCA2 protein synthesis. Although it is located in the last exon of BRCA2 and is not expected to undergo nonsense-mediated decay, the variant removes the last 194 residues of the BRCA2 protein including the RAD51-interaction region involved in recombination-mediated DNA repair (PMID: 17515903 (2007)). The frequency of this variant in the general population, 0.000004 (1/249592 chromosomes), is consistent with pathogenicity. In the published literature, the variant has been reported in individuals with breast and/or ovarian cancer (PMIDs: 32341426 (2020), 25452441 (2015), 25103822 (2014), 24156927 (2014)), as well as Fanconi anemia (PMIDs: 26740091 (2016), 22720145 (2012), 12065746 (2002)). Based on the available information, this variant is classified as pathogenic.

GeneDx
Classification: Pathogenic. Last evaluated: 2022-03-31. Review status: criteria provided, single submitter. Criteria: GeneDx Variant Classification Process June 2021. Collection method: clinical testing. Allele origin: germline. Affected: yes. Not counted in ClinVar's aggregate classification.
Comment: Frameshift variant predicted to result in protein truncation in a gene for which loss of function is a known mechanism of disease; Published functional studies demonstrate a damaging effect: cell line with this variant exhibited sensitivity to MMC exposure, increased IR induction of foci (present in both cytoplasm and nucleus) and absent FANCD2/BRCA2 complex in chromatin (Wang 2004); Not observed at significant frequency in large population cohorts (gnomAD); Truncating variants are considered pathogenic by a well-established clinical consortium and/or database.; Also known as c.9900dupA; This variant is associated with the following publications: (PMID: 24301060, 28152038, 24156927, 14559878, 16683254, 16115142, 25447315, 25452441, 15689453, 24312913, 11597388, 15645491, 22921157, 26846091, 26740091, 22720145, 29922827, 29446198, 29753700, 30720243, 30291343, 32341426, 30787465, 31076742, 35216584, 12065746, 15199141, 10733923, 9126738)

MGZ Medical Genetics Center
Classification: Pathogenic for Breast-ovarian cancer, familial, susceptibility to, 2. Last evaluated: 2021-11-15. Review status: criteria provided, single submitter. Criteria: ACMG Guidelines, 2015. Collection method: clinical testing. Allele origin: germline. Affected: yes. Observed: 1 variant allele. Not counted in ClinVar's aggregate classification.
Comment: ACMG criteria applied: PVS1, PS4, PM2_SUP, PP1

Institute of Medical Genetics and Applied Genomics, University Hospital Tübingen
Classification: Pathogenic. Last evaluated: 2021-06-17. Review status: criteria provided, single submitter. Criteria: ACMG Guidelines, 2015. Collection method: clinical testing. Allele origin: germline. Inheritance: Autosomal dominant inheritance. Affected: yes. Not counted in ClinVar's aggregate classification.

Women's Health and Genetics/Laboratory Corporation of America, LabCorp
Classification: Pathogenic for Hereditary breast ovarian cancer syndrome. Last evaluated: 2021-02-12. Review status: criteria provided, single submitter. Criteria: LabCorp Variant Classification Summary - May 2015. Collection method: clinical testing. Allele origin: germline. Not counted in ClinVar's aggregate classification.
Comment: Variant summary: BRCA2 c.9672dupA (p.Tyr3225IlefsX30) results in a premature termination codon, predicted to cause a truncation of the encoded protein or absence of the protein due to nonsense mediated decay, which are commonly known mechanisms for disease. Truncations downstream of this position have been classified as pathogenic by our laboratory. The variant allele was found at a frequency of 4e-06 in 249832 control chromosomes (gnomAD and publication). c.9672dupA has been reported in the literature in multiple individuals affected with breast cancer and/or ovarian cancer (Couch_2015, Rebbeck_2018, BIC database). These data indicate that the variant is very likely to be associated with disease. To our knowledge, no experimental evidence demonstrating an impact on protein function has been reported. 11 ClinVar submitters, including one expert panel (ENIGMA), (evaluation after 2014) cite the variant as pathogenic (n=10) and likely pathogenic (n=1). Based on the evidence outlined above, the variant was classified as pathogenic.

Institute for Biomarker Research, Medical Diagnostic Laboratories, L.L.C.
Classification: Pathogenic for Hereditary cancer-predisposing syndrome. Last evaluated: 2018-05-23. Review status: criteria provided, single submitter. Criteria: ACMG Guidelines, 2015. Collection method: clinical testing. Allele origin: germline. Not counted in ClinVar's aggregate classification.